The following is an entry in ClinVar:

NM_004656.4(BAP1):c.1579A>G (p.Ile527Val)

Gene: BAP1 (BRCA1 associated deubiquitinase 1; minus strand). Cytogenetic location: 3p21.1.
Variant type: single nucleotide variant.
Coding change: c.1579A>G on transcript NM_004656.4 (MANE Select); coding-DNA position 1579, A replaced by G.
Protein change: p.Ile527Val; replaces isoleucine 527 with valine.
Molecular consequence: missense variant.
Genome position (GRCh38, 1-based): chr3:52,403,566, T>C on the plus strand (A>G on the coding strand, the complement: BAP1 is on the minus strand). VCF-style: chr3-52403566-T-C. GRCh37 (hg19) VCF-style: chr3-52437582-T-C.
Other names: c.1579A>G (NM_004656.2); short protein forms I527V.
Identifiers: ClinVar variation 1059160 (VCV001059160.6), dbSNP rs1186210369, ClinGen allele CA353100586.

ClinVar aggregate classification (germline): Uncertain significance. Review status: criteria provided, multiple submitters, no conflicts (2 of 4 stars). 2 submissions from 2 submitters: Uncertain significance (2). Last evaluated 2025-12-10.

Conditions:
Hereditary cancer-predisposing syndrome. Also called: Neoplastic Syndromes, Hereditary; Hereditary Cancer Syndrome; Hereditary neoplastic syndrome; Tumor predisposition. Identifiers: Orphanet 140162, MedGen C0027672, MeSH D009386, MONDO:0015356.
BAP1-related tumor predisposition syndrome (TPDS1). Also called: TUMOR PREDISPOSITION SYNDROME 1; BAP1 tumor predisposition syndrome; COMMON Syndrome; Tumor susceptibility linked to germline BAP1 mutations. Identifiers: Orphanet 289539, MedGen C3280492, MONDO:0013692, OMIM 614327.

Allele frequency attached by ClinVar (database versions not stated): gnomAD 0.00001.

Submissions (2):

Labcorp Genetics (formerly Invitae), Labcorp
Classification: Uncertain significance for BAP1-related tumor predisposition syndrome. Last evaluated: 2025-12-10. Review status: criteria provided, single submitter. Criteria: Invitae Variant Classification Sherloc (09022015). Collection method: clinical testing. Allele origin: germline.
Comment: This sequence change replaces isoleucine, which is neutral and non-polar, with valine, which is neutral and non-polar, at codon 527 of the BAP1 protein (p.Ile527Val). This variant is present in population databases (no rsID available, gnomAD 0.007%). This variant has not been reported in the literature in individuals affected with BAP1-related conditions. ClinVar contains an entry for this variant (Variation ID: 1059160). Invitae Evidence Modeling of protein sequence and biophysical properties (such as structural, functional, and spatial information, amino acid conservation, physicochemical variation, residue mobility, and thermodynamic stability) indicates that this missense variant is not expected to disrupt BAP1 protein function with a negative predictive value of 80%. In summary, the available evidence is currently insufficient to determine the role of this variant in disease. Therefore, it has been classified as a Variant of Uncertain Significance.

Ambry Genetics
Classification: Uncertain significance for Hereditary cancer-predisposing syndrome. Last evaluated: 2024-07-26. Review status: criteria provided, single submitter. Criteria: Ambry Variant Classification Scheme 2023. Collection method: clinical testing. Allele origin: germline.
Comment: The p.I527V variant (also known as c.1579A>G), located in coding exon 13 of the BAP1 gene, results from an A to G substitution at nucleotide position 1579. The isoleucine at codon 527 is replaced by valine, an amino acid with highly similar properties. This amino acid position is conserved. In addition, this alteration is predicted to be tolerated by in silico analysis. Based on the available evidence, the clinical significance of this variant remains unclear.